The following is an entry in ClinVar:

ClinVar aggregate classification (germline): Uncertain significance. Review status: criteria provided, multiple submitters, no conflicts (2 of 4 stars). 2 submissions from 2 submitters: Uncertain significance (2). Last evaluated 2024-11-20.

Conditions:
Inborn genetic diseases. Identifiers: MedGen C0950123, MeSH D030342.

Allele frequency attached by ClinVar (database versions not stated): ExAC 0.00009; 1000 Genomes Project 0.00020; 1000 Genomes Project 30x 0.00031.
gnomAD v4.1: 52 of 1,588,180 alleles (0.0033%); highest among the groups gnomAD compares: Admixed American, 0.057%; no homozygotes.

Submissions (2):

Ambry Genetics
Classification: Uncertain significance for Inborn genetic diseases. Last evaluated: 2024-11-20. Review status: criteria provided, single submitter. Criteria: Ambry Variant Classification Scheme 2023. Collection method: clinical testing. Allele origin: germline.

Labcorp Genetics (formerly Invitae), Labcorp
Classification: Uncertain significance. Last evaluated: 2022-08-19. Review status: criteria provided, single submitter. Criteria: Invitae Variant Classification Sherloc (09022015). Collection method: clinical testing. Allele origin: germline.
Comment: This sequence change replaces aspartic acid with tyrosine at codon 84 of the TRAPPC12 protein (p.Asp84Tyr). The aspartic acid residue is weakly conserved and there is a large physicochemical difference between aspartic acid and tyrosine. This variant is present in population databases (rs529746013, gnomAD 0.07%). This variant has not been reported in the literature in individuals affected with TRAPPC12-related conditions. ClinVar contains an entry for this variant (Variation ID: 1430336). Algorithms developed to predict the effect of missense changes on protein structure and function are either unavailable or do not agree on the potential impact of this missense change (SIFT: "Not Available"; PolyPhen-2: "Probably Damaging"; Align-GVGD: "Not Available"). In summary, the available evidence is currently insufficient to determine the role of this variant in disease. Therefore, it has been classified as a Variant of Uncertain Significance.

NM_016030.6(TRAPPC12):c.250G>T (p.Asp84Tyr)

Gene: TRAPPC12 (trafficking protein particle complex subunit 12; plus strand). Cytogenetic location: 2p25.3.
Variant type: single nucleotide variant.
Coding change: c.250G>T on transcript NM_016030.6 (MANE Select); coding-DNA position 250, G replaced by T.
Protein change: p.Asp84Tyr; replaces aspartic acid 84 with tyrosine.
Molecular consequence: missense variant.
Genome position (GRCh38, 1-based): chr2:3,387,873, G>T. VCF-style: chr2-3387873-G-T. GRCh37 (hg19) VCF-style: chr2-3391644-G-T.
Other names: c.250G>T, p.Asp84Tyr (NM_001321102.2); c.250G>T (NM_016030.5); short protein forms D84Y.
Identifiers: ClinVar variation 1430336 (VCV001430336.5), dbSNP rs529746013, ClinGen allele CA1515058.